The following is an entry in ClinVar:

ClinVar aggregate classification (germline): Uncertain significance (1 of 4 stars; one submission).

gnomAD v4.1: 1 of 1,614,166 alleles (0.000062%); highest among the groups gnomAD compares: Non-Finnish European, 0.000085%; no homozygotes.

Submission:

Labcorp Genetics (formerly Invitae), Labcorp
Classification: Uncertain significance. Last evaluated: 2025-08-11. Review status: criteria provided, single submitter. Criteria: Invitae Variant Classification Sherloc (09022015). Collection method: clinical testing. Allele origin: germline.
Comment: This sequence change replaces lysine, which is basic and polar, with arginine, which is basic and polar, at codon 999 of the SIN3A protein (p.Lys999Arg). This variant is not present in population databases (gnomAD no frequency). This variant has not been reported in the literature in individuals affected with SIN3A-related conditions. Invitae Evidence Modeling of protein sequence and biophysical properties (such as structural, functional, and spatial information, amino acid conservation, physicochemical variation, residue mobility, and thermodynamic stability) indicates that this missense variant is not expected to disrupt SIN3A protein function with a negative predictive value of 80%. In summary, the available evidence is currently insufficient to determine the role of this variant in disease. Therefore, it has been classified as a Variant of Uncertain Significance.

NM_001145358.2(SIN3A):c.2996A>G (p.Lys999Arg)

Gene: SIN3A (SIN3 transcription regulator family member A; minus strand). Cytogenetic location: 15q24.2.
Variant type: single nucleotide variant.
Coding change: c.2996A>G on transcript NM_001145358.2 (MANE Select); coding-DNA position 2996, A replaced by G.
Protein change: p.Lys999Arg; replaces lysine 999 with arginine.
Molecular consequence: missense variant.
Genome position (GRCh38, 1-based): chr15:75,389,677, T>C on the plus strand (A>G on the coding strand, the complement: SIN3A is on the minus strand). VCF-style: chr15-75389677-T-C. GRCh37 (hg19) VCF-style: chr15-75682018-T-C.
Other names: c.2996A>G, p.Lys999Arg (NM_001145357.2, NM_001437462.1, NM_001437463.1 and 1 more transcripts); short protein forms K999R.
Identifiers: ClinVar variation 4703664 (VCV004703664.1).